The following is an entry in ClinVar:

ClinVar aggregate classification (germline): Uncertain significance (1 of 4 stars; one submission).

Allele frequency attached by ClinVar (database versions not stated): gnomAD exomes 0.00003 and 0.00006; ExAC 0.00006; gnomAD 0.00007; TOPMed 0.00007; ESP Exome Variant Server 0.00023.
gnomAD v4.1: 52 of 1,614,014 alleles (0.0032%); highest among the groups gnomAD compares: African/African-American, 0.02%; no homozygotes.

Submission:

Labcorp Genetics (formerly Invitae), Labcorp
Classification: Uncertain significance. Last evaluated: 2025-09-08. Review status: criteria provided, single submitter. Criteria: Invitae Variant Classification Sherloc (09022015). Collection method: clinical testing. Allele origin: germline.
Comment: This sequence change replaces arginine, which is basic and polar, with cysteine, which is neutral and slightly polar, at codon 905 of the LTBP2 protein (p.Arg905Cys). This variant is present in population databases (rs138643849, gnomAD 0.03%). This variant has not been reported in the literature in individuals affected with LTBP2-related conditions. ClinVar contains an entry for this variant (Variation ID: 1404981). An algorithm developed to predict the effect of missense changes on protein structure and function (PolyPhen-2) suggests that this variant is likely to be disruptive. In summary, the available evidence is currently insufficient to determine the role of this variant in disease. Therefore, it has been classified as a Variant of Uncertain Significance.

NM_000428.3(LTBP2):c.2713C>T (p.Arg905Cys)

Gene: LTBP2 (latent transforming growth factor beta binding protein 2; minus strand). Cytogenetic location: 14q24.3.
Variant type: single nucleotide variant.
Coding change: c.2713C>T on transcript NM_000428.3 (MANE Select); coding-DNA position 2713, C replaced by T.
Protein change: p.Arg905Cys; replaces arginine 905 with cysteine.
Molecular consequence: missense variant.
Genome position (GRCh38, 1-based): chr14:74,521,986, G>A on the plus strand (C>T on the coding strand, the complement: LTBP2 is on the minus strand). VCF-style: chr14-74521986-G-A. GRCh37 (hg19) VCF-style: chr14-74988689-G-A.
Other names: short protein forms R905C.
Identifiers: ClinVar variation 1404981 (VCV001404981.4), dbSNP rs138643849, ClinGen allele CA7269405.
Genomic context (GRCh38, chr14:74,521,986, plus strand): 5'-TCGCCCCTGAGGTGGCCAGAGTGTAGCCAGGGTAGCAGAAGCAGGAGTAGGACCCCACGC[G>A]GTTGATGCAGCGCCCTTTTCCCTTGCAGGGGTCCCTCAGACACTCGTTGTCATCTGACCA-3'
Protein context (NP_000419.1, residues 895-915): PCKGKGRCIN[Arg905Cys]VGSYSCFCYP